The following is an entry in ClinVar:

NM_016614.3(TDP2):c.180C>T (p.Ser60=)

Gene: TDP2 (tyrosyl-DNA phosphodiesterase 2; minus strand). Cytogenetic location: 6p22.3.
Variant type: single nucleotide variant.
Coding change: c.180C>T on transcript NM_016614.3 (MANE Select); coding-DNA position 180, C replaced by T.
Protein change: p.Ser60=; no amino-acid change (serine 60 retained).
Molecular consequence: synonymous variant.
Genome position (GRCh38, 1-based): chr6:24,666,597, G>A on the plus strand (C>T on the coding strand, the complement: TDP2 is on the minus strand). VCF-style: chr6-24666597-G-A. GRCh37 (hg19) VCF-style: chr6-24666825-G-A.
Identifiers: ClinVar variation 731225 (VCV000731225.27), dbSNP rs190332937, ClinGen allele CA3658248.

ClinVar aggregate classification (germline): Likely benign. Review status: criteria provided, multiple submitters, no conflicts (2 of 4 stars). 2 submissions from 2 submitters: Likely benign (2). Last evaluated 2022-10-01.

Allele frequency attached by ClinVar (database versions not stated): gnomAD exomes 0.00008 and 0.00021; gnomAD 0.00009; TOPMed 0.00012; 1000 Genomes Project 30x 0.00031; 1000 Genomes Project 0.00040.
gnomAD v4.1: 127 of 1,614,222 alleles (0.0079%); highest among the groups gnomAD compares: East Asian, 0.25%; no homozygotes.

Submissions (2):

CeGaT Center for Human Genetics Tuebingen
Classification: Likely benign. Last evaluated: 2022-10-01. Review status: criteria provided, single submitter. Criteria: CeGaT Center For Human Genetics Tuebingen Variant Classification Criteria Version 2. Collection method: clinical testing. Allele origin: germline. Affected: yes. Observed: 1 variant allele.
Comment: TDP2: BP4, BP7

Labcorp Genetics (formerly Invitae), Labcorp
Classification: Likely benign. Last evaluated: 2017-12-11. Review status: criteria provided, single submitter. Criteria: Invitae Variant Classification Sherloc (09022015). Collection method: clinical testing. Allele origin: germline.